The following is an entry in ClinVar:

ClinVar aggregate classification (germline): Likely benign. Review status: criteria provided, multiple submitters, no conflicts (2 of 4 stars). 2 submissions from 2 submitters: Likely benign (2). Last evaluated 2026-04-01.

Allele frequency attached by ClinVar (database versions not stated): gnomAD 0.00001; TOPMed 0.00002; ExAC 0.00006.
gnomAD v4.1: 15 of 1,614,080 alleles (0.00093%); highest among the groups gnomAD compares: Admixed American, 0.023%; no homozygotes.

Submissions (2):

CeGaT Center for Human Genetics Tuebingen
Classification: Likely benign. Last evaluated: 2026-04-01. Review status: criteria provided, single submitter. Criteria: CeGaT Center For Human Genetics Tuebingen Variant Classification Criteria Version 2. Collection method: clinical testing. Allele origin: germline. Affected: yes. Observed: 1 variant allele.
Comment: TCF20: BP4, BP7

Labcorp Genetics (formerly Invitae), Labcorp
Classification: Likely benign. Last evaluated: 2025-11-13. Review status: criteria provided, single submitter. Criteria: Invitae Variant Classification Sherloc (09022015). Collection method: clinical testing. Allele origin: germline.

NM_001378418.1(TCF20):c.5505C>T (p.Gly1835=)

Gene: TCF20 (transcription factor 20; minus strand). Cytogenetic location: 22q13.2.
Variant type: single nucleotide variant.
Coding change: c.5505C>T on transcript NM_001378418.1 (MANE Select); coding-DNA position 5505, C replaced by T.
Protein change: p.Gly1835=; no amino-acid change (glycine 1835 retained).
Molecular consequence: synonymous variant.
Genome position (GRCh38, 1-based): chr22:42,209,801, G>A on the plus strand (C>T on the coding strand, the complement: TCF20 is on the minus strand). VCF-style: chr22-42209801-G-A. GRCh37 (hg19) VCF-style: chr22-42605807-G-A.
Other names: c.5505C>T, p.Gly1835= (NM_005650.4, NM_181492.3).
Identifiers: ClinVar variation 1926643 (VCV001926643.7), dbSNP rs774579852, ClinGen allele CA10266458.